The following is an entry in ClinVar:

ClinVar aggregate classification (germline): Likely pathogenic (1 of 4 stars; one submission).

Allele frequency attached by ClinVar (database versions not stated): gnomAD exomes below 0.00001.
gnomAD v4.1: 1 of 1,528,702 alleles (0.000065%); highest among the groups gnomAD compares: South Asian, 0.0012%; no homozygotes.

Submission:

Diagnostics Services (NGS), CSIR - Centre For Cellular And Molecular Biology
Classification: Likely pathogenic. Last evaluated: 2022-10-12. Review status: criteria provided, single submitter. Criteria: ACMG Guidelines, 2015. Collection method: clinical testing. Allele origin: unknown. Affected: yes. Observed: 1 variant allele, 1 heterozygote.
Comment: Although the CHFR gene (MIM*605209) has not been associated with any disease in OMIM, scientific research suggests that it is a tumor suppressor gene (PMID: 15793587) that has been implicated in a wide range of cancers, in published studies (PMID: 22159584). The c.1231C>T variant is not present in publicly available population databases like 1000 Genomes, ExAC, EVS, gnomAD, Indian Exome Database or our in-house exome database. The variant has neither been published nor reported to ClinVar, HGMD or OMIM. In-silico pathogenicity prediction programs like MutationTaster, CADD, Varsome etc. predicted this variant to be likely deleterious. The variant creates a premature translational stop signal at the 411st amino acid position of the wild-type transcript, which may either result in translation of a truncated protein or cause nonsense mediated decay of the mRNA. The variant has also been predicted to affect splicing (splice-distance 2bp) by several computational splice-site effect prediction tools.

NM_001161346.2(CHFR):c.1231C>T (p.Gln411Ter)

Gene: CHFR (checkpoint with forkhead and ring finger domains; minus strand). Cytogenetic location: 12q24.33.
Variant type: single nucleotide variant.
Coding change: c.1231C>T on transcript NM_001161346.2 (MANE Select); coding-DNA position 1231, C replaced by T.
Protein change: p.Gln411Ter; replaces glutamine 411 with a stop codon.
Molecular consequence: nonsense.
Genome position (GRCh38, 1-based): chr12:132,853,572, G>A on the plus strand (C>T on the coding strand, the complement: CHFR is on the minus strand). VCF-style: chr12-132853572-G-A. GRCh37 (hg19) VCF-style: chr12-133430158-G-A.
Other names: c.1267C>T, p.Gln423Ter (NM_001161344.1, NM_001161345.1); c.991C>T, p.Gln331Ter (NM_001161347.1); c.1144C>T, p.Gln382Ter (NM_018223.2); short protein forms Q331*, Q382*, Q411*, Q423*.
Identifiers: ClinVar variation 1802254 (VCV001802254.3), dbSNP rs2543324220, ClinGen allele CA387421790.